The following is an entry in ClinVar:

ClinVar aggregate classification (germline): Uncertain significance (1 of 4 stars; one submission).

Submission:

Women's Health and Genetics/Laboratory Corporation of America, LabCorp
Classification: Uncertain significance. Last evaluated: 2024-03-08. Review status: criteria provided, single submitter. Criteria: LabCorp Variant Classification Summary - May 2015. Collection method: clinical testing. Allele origin: germline.
Comment: Variant summary: WNT10A c.311G>C (p.Arg104Pro) results in a non-conservative amino acid change in the encoded protein sequence. Five of five in-silico tools predict a damaging effect of the variant on protein function. The variant was absent in 251364 control chromosomes (gnomAD). The available data on variant occurrences in the general population are insufficient to allow any conclusion about variant significance. To our knowledge, no occurrence of c.311G>C in individuals affected with Odonto-onycho-dermal dysplasia and no experimental evidence demonstrating its impact on protein function have been reported. No submitters have cited clinical-significance assessments for this variant to ClinVar. Based on the evidence outlined above, the variant was classified as uncertain significance.

NM_025216.3(WNT10A):c.311G>C (p.Arg104Pro)

Gene: WNT10A (Wnt family member 10A; plus strand). Cytogenetic location: 2q35.
Variant type: single nucleotide variant.
Coding change: c.311G>C on transcript NM_025216.3 (MANE Select); coding-DNA position 311, G replaced by C.
Protein change: p.Arg104Pro; replaces arginine 104 with proline.
Molecular consequence: missense variant.
Genome position (GRCh38, 1-based): chr2:218,882,358, G>C. VCF-style: chr2-218882358-G-C. GRCh37 (hg19) VCF-style: chr2-219747080-G-C.
Other names: short protein forms R104P.
Identifiers: ClinVar variation 3233578 (VCV003233578.2), dbSNP rs374910216, ClinGen allele CA350619037.
Genomic context (GRCh38, chr2:218,882,358, plus strand): 5'-CAGCCATACAGGGCATCCAGATCGCCATCCACGAATGCCAACACCAATTCAGGGACCAGC[G>C]CTGGAACTGCTCAAGCCTGGAGACTCGCAACAAGATCCCCTATGAGAGTCCCATCTTCAG-3'
Protein context (NP_079492.2, residues 94-114): HECQHQFRDQ[Arg104Pro]WNCSSLETRN